The following is an entry in ClinVar:

ClinVar aggregate classification (germline): Benign. Review status: criteria provided, multiple submitters, no conflicts (2 of 4 stars). 8 submissions from 7 submitters: Benign (8). Last evaluated 2026-02-04.

Conditions:
Hyperostosis cranialis interna. Also called: Hyperostosis cranalis interna. Identifiers: Orphanet 443098, MedGen C1840404, MONDO:0007765, OMIM 144755, HP:0005890.
Hypermanganesemia with dystonia 2 (HMNDYT2). Also called: SLC39A14 Deficiency. Identifiers: Orphanet 521406, MedGen C4310765, MONDO:0014864, OMIM 617013.

Allele frequency attached by ClinVar (database versions not stated): gnomAD exomes 0.48697 and 0.52572; ExAC 0.53127; ESP Exome Variant Server 0.55282; gnomAD 0.56319 and 0.56499; TOPMed 0.56630; 1000 Genomes Project 0.62899; 1000 Genomes Project 30x 0.63320.
gnomAD v4.1: 798,117 of 1,613,678 alleles (49%); highest among the groups gnomAD compares: African/African-American, 73%; 201,595 homozygotes.

Submissions (8):

Labcorp Genetics (formerly Invitae), Labcorp
Classification: Benign. Last evaluated: 2026-02-04. Review status: criteria provided, single submitter. Criteria: Invitae Variant Classification Sherloc (09022015). Collection method: clinical testing. Allele origin: germline.

Blueprint Genetics
Classification: Benign. Last evaluated: 2024-11-27. Review status: criteria provided, single submitter. Criteria: ACMG Guidelines, 2015. Collection method: clinical testing. Allele origin: germline.

Unidad de Genómica Garrahan, Hospital de Pediatría Garrahan
Classification: Benign. Last evaluated: 2024-07-31. Review status: criteria provided, single submitter. Criteria: ACMG Guidelines, 2015. Collection method: clinical testing. Allele origin: germline. Affected: no. Observed: 73 variant alleles.
Comment: This variant is classified as Benign based on local population frequency. This variant was detected in 78% of patients studied in a panel designed for Epileptic and Developmental Encephalopathy, Progressive Myoclonus Epilepsy and Abnormal Movements and Neurodegeneration with brain iron accumulation. Number of patients: 73. Only high quality variants are reported.

Mayo Clinic Laboratories, Mayo Clinic
Classification: Benign. Last evaluated: 2022-03-24. Review status: criteria provided, single submitter. Criteria: ACMG Guidelines, 2015. Collection method: clinical testing. Allele origin: germline. Observed: 450 variant alleles.

Genome-Nilou Lab
Classification: Benign for Hyperostosis cranialis interna. Last evaluated: 2021-07-15. Review status: criteria provided, single submitter. Criteria: ACMG Guidelines, 2015. Collection method: clinical testing. Allele origin: germline. Affected: no.

Genome-Nilou Lab
Classification: Benign for Hypermanganesemia with dystonia 2. Last evaluated: 2021-07-15. Review status: criteria provided, single submitter. Criteria: ACMG Guidelines, 2015. Collection method: clinical testing. Allele origin: germline. Affected: no.

GeneDx
Classification: Benign. Last evaluated: 2021-05-04. Review status: criteria provided, single submitter. Criteria: GeneDx Variant Classification Process June 2021. Collection method: clinical testing. Allele origin: germline. Affected: yes.

Breakthrough Genomics
Classification: Benign. Review status: criteria provided, single submitter. Criteria: ACMG Guidelines, 2015. Collection method: not provided. Allele origin: germline. Inheritance: Autosomal recessive inheritance. Affected: yes.

NM_001128431.4(SLC39A14):c.98T>C (p.Leu33Pro)

Gene: SLC39A14 (solute carrier family 39 member 14; plus strand). Cytogenetic location: 8p21.3.
Variant type: single nucleotide variant.
Coding change: c.98T>C on transcript NM_001128431.4 (MANE Select); coding-DNA position 98, T replaced by C.
Protein change: p.Leu33Pro; replaces leucine 33 with proline.
Molecular consequence: missense variant.
Genome position (GRCh38, 1-based): chr8:22,404,808, T>C. VCF-style: chr8-22404808-T-C. GRCh37 (hg19) VCF-style: chr8-22262321-T-C.
Other names: p.Leu33Pro; c.98T>C, p.Leu33Pro (NM_001135153.3, NM_001135154.3, NM_001351655.2 and 3 more transcripts); c.128T>C, p.Leu43Pro (NM_001351657.2, NM_001351658.2, NM_001351659.2); short protein forms L33P, L43P.
Identifiers: ClinVar variation 1286124 (VCV001286124.16), dbSNP rs896378, ClinGen allele CA4667223.